The following is an entry in ClinVar:

NM_022773.4(LMF1):c.115G>A (p.Gly39Ser)

Genes: LMF1 (lipase maturation factor 1; minus strand), LOC130058141 (ATAC-STARR-seq lymphoblastoid silent region 6962; plus strand). Cytogenetic location: 16p13.3.
Variant type: single nucleotide variant.
Coding change: c.115G>A on transcript NM_022773.4 (MANE Select); coding-DNA position 115, G replaced by A.
Protein change: p.Gly39Ser; replaces glycine 39 with serine.
Molecular consequence: missense variant. On other transcripts: 5 prime UTR variant (1), non-coding transcript variant (1), intron variant (3).
Genome position (GRCh38, 1-based): chr16:970,866, C>T on the plus strand (G>A on the coding strand, the complement: LMF1 is on the minus strand). VCF-style: chr16-970866-C-T. GRCh37 (hg19) VCF-style: chr16-1020866-C-T.
Other names: c.115G>A, p.Gly39Ser (NM_001352020.1); c.-591G>A (NM_001352021.2); c.-135+10279G>A (NM_001352019.2); c.-611+10279G>A (NM_001352017.2); c.-362+10279G>A (NM_001352018.2); short protein forms G39S.
Identifiers: ClinVar variation 3623620 (VCV003623620.2).
Genomic context (GRCh38, chr16:970,866, plus strand): 5'-CCTTCAGGAGCACGATCCGGGTCAGCCAGAAGGTGCCCGTGTGGAGATGGGCCGGAGAGC[C>T]TGCGGGGCCACGCCCCGGCGCGGGCGGCGACTCAGGCTCCGGATCCGAGTACCCAGTCTT-3'
Protein context (NP_073610.2, residues 29-49): SPPAPGRGPA[Gly39Ser]SPAHLHTGTF

ClinVar aggregate classification (germline): Uncertain significance (1 of 4 stars; one submission).

gnomAD v4.1: 3 of 1,564,552 alleles (0.00019%); highest among the groups gnomAD compares: East Asian, 0.0049%; no homozygotes.

Submission:

Labcorp Genetics (formerly Invitae), Labcorp
Classification: Uncertain significance. Last evaluated: 2024-09-01. Review status: criteria provided, single submitter. Criteria: Invitae Variant Classification Sherloc (09022015). Collection method: clinical testing. Allele origin: germline.
Comment: This sequence change replaces glycine, which is neutral and non-polar, with serine, which is neutral and polar, at codon 39 of the LMF1 protein (p.Gly39Ser). This variant is present in population databases (rs748329854, gnomAD 0.02%). This variant has not been reported in the literature in individuals affected with LMF1-related conditions. An algorithm developed to predict the effect of missense changes on protein structure and function outputs the following: PolyPhen-2: "Benign". The serine amino acid residue is found in multiple mammalian species, which suggests that this missense change does not adversely affect protein function. In summary, the available evidence is currently insufficient to determine the role of this variant in disease. Therefore, it has been classified as a Variant of Uncertain Significance.